The following is an entry in ClinVar:

ClinVar aggregate classification (germline): Uncertain significance. Review status: criteria provided, multiple submitters, no conflicts (2 of 4 stars). 3 submissions from 3 submitters: Uncertain significance (3). Last evaluated 2026-01-27.

Conditions:
PRX-related disorder. Also called: PRX-related condition; PRX-Related Disorders.
Inborn genetic diseases. Identifiers: MedGen C0950123, MeSH D030342.
Charcot-Marie-Tooth disease type 4. Also called: Charcot-Marie-Tooth disease, type IV; Charcot-Marie-Tooth, Type 4. Identifiers: Orphanet 64749, MedGen C4082197, MONDO:0018995.

Allele frequency attached by ClinVar (database versions not stated): gnomAD 0.00001; TOPMed 0.00001; gnomAD exomes 0.00002; ExAC 0.00003.
gnomAD v4.1: 29 of 1,612,144 alleles (0.0018%); highest among the groups gnomAD compares: Middle Eastern, 0.033%; no homozygotes.

Submissions (3):

PreventionGenetics, part of Exact Sciences
Classification: Uncertain significance for PRX-related condition. Last evaluated: 2026-01-27. Review status: criteria provided, single submitter. Criteria: ACMG Guidelines, 2015. Collection method: clinical testing. Allele origin: germline.
Comment: The PRX c.959C>T variant is predicted to result in the amino acid substitution p.Ser320Leu. To our knowledge, this variant has not been reported in the literature. This variant is reported in 0.0066% of alleles in individuals of South Asian descent in gnomAD. At this time, the clinical significance of this variant is uncertain due to the absence of conclusive functional and genetic evidence.

Labcorp Genetics (formerly Invitae), Labcorp
Classification: Uncertain significance for Charcot-Marie-Tooth disease type 4. Last evaluated: 2022-07-30. Review status: criteria provided, single submitter. Criteria: Invitae Variant Classification Sherloc (09022015). Collection method: clinical testing. Allele origin: germline.
Comment: This sequence change replaces serine, which is neutral and polar, with leucine, which is neutral and non-polar, at codon 320 of the PRX protein (p.Ser320Leu). This variant is present in population databases (rs760647416, gnomAD 0.007%). This variant has not been reported in the literature in individuals affected with PRX-related conditions. ClinVar contains an entry for this variant (Variation ID: 957028). Algorithms developed to predict the effect of missense changes on protein structure and function (SIFT, PolyPhen-2, Align-GVGD) all suggest that this variant is likely to be tolerated. In summary, the available evidence is currently insufficient to determine the role of this variant in disease. Therefore, it has been classified as a Variant of Uncertain Significance.

Ambry Genetics
Classification: Uncertain significance for Inborn genetic diseases. Last evaluated: 2022-06-05. Review status: criteria provided, single submitter. Criteria: Ambry Variant Classification Scheme 2023. Collection method: clinical testing. Allele origin: germline.
Comment: The p.S320L variant (also known as c.959C>T), located in coding exon 4 of the PRX gene, results from a C to T substitution at nucleotide position 959. The serine at codon 320 is replaced by leucine, an amino acid with dissimilar properties. This amino acid position is conserved. In addition, this alteration is predicted to be tolerated by in silico analysis. Since supporting evidence is limited at this time, the clinical significance of this alteration remains unclear.

NM_181882.3(PRX):c.959C>T (p.Ser320Leu)

Gene: PRX (periaxin; minus strand). Cytogenetic location: 19q13.2.
Variant type: single nucleotide variant.
Coding change: c.959C>T on transcript NM_181882.3 (MANE Select); coding-DNA position 959, C replaced by T.
Protein change: p.Ser320Leu; replaces serine 320 with leucine.
Molecular consequence: missense variant. On other transcripts: 3 prime UTR variant (1).
Genome position (GRCh38, 1-based): chr19:40,397,393, G>A on the plus strand (C>T on the coding strand, the complement: PRX is on the minus strand). VCF-style: chr19-40397393-G-A. GRCh37 (hg19) VCF-style: chr19-40903300-G-A.
Other names: c.*1164C>T (NM_020956.2); short protein forms S320L.
Identifiers: ClinVar variation 957028 (VCV000957028.8), dbSNP rs760647416, ClinGen allele CA9444349.